The following is an entry in ClinVar:

NM_001110556.2(FLNA):c.7153C>T (p.Gln2385Ter)

Gene: FLNA (filamin A; minus strand). Cytogenetic location: Xq28.
Variant type: single nucleotide variant.
Coding change: c.7153C>T on transcript NM_001110556.2 (MANE Select); coding-DNA position 7153, C replaced by T.
Protein change: p.Gln2385Ter; replaces glutamine 2385 with a stop codon.
Molecular consequence: nonsense.
Genome position (GRCh38, 1-based): chrX:154,350,912, G>A on the plus strand (C>T on the coding strand, the complement: FLNA is on the minus strand). VCF-style: chrX-154350912-G-A. GRCh37 (hg19) VCF-style: chrX-153579280-G-A.
Other names: c.7129C>T, p.Gln2377Ter (NM_001456.4); short protein forms Q2377*, Q2385*.
Identifiers: ClinVar variation 167078 (VCV000167078.9), dbSNP rs727503931, ClinGen allele CA234014.
Genomic context (GRCh38, chrX:154,350,912, plus strand): 5'-CTCTCAGCCTGCTTCCAGCCAGCAGGGCAGGGCGGCCGGGCAGGGACAGGGCCTCACCTT[G>A]GTCAATTTCTGTGACATAGCACTCCTCCAGGGCTCCTGAGGGGCTGTGCACCTTGGCATC-3'

ClinVar aggregate classification (germline): Pathogenic. Review status: criteria provided, multiple submitters, no conflicts (2 of 4 stars). 2 submissions from 2 submitters: Pathogenic (2). Last evaluated 2022-01-13.

Submissions (2):

GeneDx
Classification: Pathogenic. Last evaluated: 2022-01-13. Review status: criteria provided, single submitter. Criteria: GeneDx Variant Classification Process June 2021. Collection method: clinical testing. Allele origin: germline. Affected: yes.
Comment: Nonsense variant predicted to result in protein truncation or nonsense mediated decay in a gene for which loss-of-function is a known mechanism of disease; Not observed in large population cohorts (gnomAD); This variant is associated with the following publications: (PMID: 29334594)

Eurofins Ntd Llc (ga)
Classification: Pathogenic. Last evaluated: 2014-03-10. Review status: criteria provided, single submitter. Criteria: EGL Classification Definitions. Collection method: clinical testing. Allele origin: germline. Observed: 1 variant allele, 1 heterozygote.